The following is an entry in ClinVar:

ClinVar aggregate classification (germline): Uncertain significance (1 of 4 stars; one submission).

Conditions:
Cardiovascular phenotype. Identifiers: MedGen CN230736.

Submission:

Ambry Genetics
Classification: Uncertain significance for Cardiovascular phenotype. Last evaluated: 2025-09-07. Review status: criteria provided, single submitter. Criteria: Ambry Variant Classification Scheme 2023. Collection method: clinical testing. Allele origin: germline.
Comment: The p.G591A variant (also known as c.1772G>C), located in coding exon 13 of the TRPM4 gene, results from a G to C substitution at nucleotide position 1772. The glycine at codon 591 is replaced by alanine, an amino acid with similar properties. This amino acid position is conserved. In addition, this alteration is predicted to be tolerated by in silico analysis. Based on the available evidence, the clinical significance of this variant remains unclear.

NM_017636.4(TRPM4):c.1772G>C (p.Gly591Ala)

Gene: TRPM4 (transient receptor potential cation channel subfamily M member 4; plus strand). Cytogenetic location: 19q13.33.
Variant type: single nucleotide variant.
Coding change: c.1772G>C on transcript NM_017636.4 (MANE Select); coding-DNA position 1772, G replaced by C.
Protein change: p.Gly591Ala; replaces glycine 591 with alanine.
Molecular consequence: missense variant.
Genome position (GRCh38, 1-based): chr19:49,188,669, G>C. VCF-style: chr19-49188669-G-C. GRCh37 (hg19) VCF-style: chr19-49691926-G-C.
Other names: c.1772G>C, p.Gly591Ala (NM_001195227.2); c.1427G>C, p.Gly476Ala (NM_001321281.2); c.164G>C, p.Gly55Ala (NM_001321282.2); c.1250G>C, p.Gly417Ala (NM_001321283.2); c.710G>C, p.Gly237Ala (NM_001321285.2); short protein forms G237A, G417A, G476A, G55A, G591A.
Identifiers: ClinVar variation 4191768 (VCV004191768.1).